The following is an entry in ClinVar:

NM_002968.3(SALL1):c.535C>T (p.Leu179Phe)

Gene: SALL1 (spalt like transcription factor 1; minus strand). Cytogenetic location: 16q12.1.
Variant type: single nucleotide variant.
Coding change: c.535C>T on transcript NM_002968.3 (MANE Select); coding-DNA position 535, C replaced by T.
Protein change: p.Leu179Phe; replaces leucine 179 with phenylalanine.
Molecular consequence: missense variant.
Genome position (GRCh38, 1-based): chr16:51,141,687, G>A on the plus strand (C>T on the coding strand, the complement: SALL1 is on the minus strand). VCF-style: chr16-51141687-G-A. GRCh37 (hg19) VCF-style: chr16-51175598-G-A.
Other names: c.244C>T, p.Leu82Phe (NM_001127892.2); short protein forms L179F, L82F.
Identifiers: ClinVar variation 3900157 (VCV003900157.2).

ClinVar aggregate classification (germline): Uncertain significance. Review status: criteria provided, multiple submitters, no conflicts (2 of 4 stars). 2 submissions from 2 submitters: Uncertain significance (2). Last evaluated 2026-06-03.

Conditions:
Inborn genetic diseases. Identifiers: MedGen C0950123, MeSH D030342.

Submissions (2):

Ambry Genetics
Classification: Uncertain significance for Inborn genetic diseases. Last evaluated: 2026-06-03. Review status: criteria provided, single submitter. Criteria: Ambry Variant Classification Scheme 2023. Collection method: clinical testing. Allele origin: germline.

GeneDx
Classification: Uncertain significance. Last evaluated: 2024-11-26. Review status: criteria provided, single submitter. Criteria: GeneDx Variant Classification Process June 2021. Collection method: clinical testing. Allele origin: germline. Affected: yes.
Comment: Not observed at significant frequency in large population cohorts (gnomAD); In silico analysis indicates that this missense variant does not alter protein structure/function; Has not been previously published as pathogenic or benign to our knowledge